The following is an entry in ClinVar:

ClinVar aggregate classification (germline): Likely benign. Review status: criteria provided, single submitter (1 of 4 stars). 2 submissions from 2 submitters: Likely benign (1). 1 of the submissions does not count toward it. Last evaluated 2026-09-01.

Conditions:
KCNQ1-related disorder. Also called: KCNQ1-related condition; KCNQ1-related disorders. Identifiers: MedGen CN239322.

Allele frequency attached by ClinVar (database versions not stated): gnomAD 0.00151; 1000 Genomes Project 30x 0.00172; TOPMed 0.00124; 1000 Genomes Project 0.00140.
gnomAD v4.1: 625 of 398,332 alleles (0.16%); highest among the groups gnomAD compares: South Asian, 0.36%; 3 homozygotes.

Submissions (2):

CeGaT Center for Human Genetics Tuebingen
Classification: Likely benign. Last evaluated: 2026-09-01. Review status: criteria provided, single submitter. Criteria: CeGaT Center For Human Genetics Tuebingen Variant Classification Criteria Version 2. Collection method: clinical testing. Allele origin: germline. Affected: yes. Observed: 22 variant alleles.
Comment: KCNQ1OT1: BS2

PreventionGenetics, part of Exact Sciences
Classification: Likely benign for KCNQ1-related condition. Last evaluated: 2022-05-23. Review status: no assertion criteria provided. Collection method: clinical testing. Allele origin: germline. Not counted in ClinVar's aggregate classification.
Comment: This variant is classified as likely benign based on ACMG/AMP sequence variant interpretation guidelines (Richards et al. 2015 PMID: 25741868, with internal and published modifications).

NM_000218.3(KCNQ1):c.1393+22149A>T

Genes: KCNQ1 (potassium voltage-gated channel subfamily Q member 1; plus strand), KCNQ1OT1 (KCNQ1 opposite strand/antisense transcript 1; minus strand). Cytogenetic location: 11p15.5.
Variant type: single nucleotide variant.
Coding change: c.1393+22149A>T on transcript NM_000218.3 (MANE Select); 22149 bases into the intron after coding-DNA position 1393, A replaced by T.
Molecular consequence: intron variant.
Genome position (GRCh38, 1-based): chr11:2,611,003, A>T. VCF-style: chr11-2611003-A-T. GRCh37 (hg19) VCF-style: chr11-2632233-A-T.
Other names: c.1123+22149A>T (NM_001406837.1); c.1297+22149A>T (NM_001406836.1); c.853+22149A>T (NM_001406838.1); c.1012+22149A>T (NM_181798.2); c.1393+22149A>T (NM_000218.2).
Identifiers: ClinVar variation 1879155 (VCV001879155.30), dbSNP rs553185190, ClinGen allele CA216356571.